The following is an entry in ClinVar:

ClinVar aggregate classification (germline): Uncertain significance. Review status: criteria provided, multiple submitters, no conflicts (2 of 4 stars). 2 submissions from 2 submitters: Uncertain significance (2). Last evaluated 2024-06-05.

Conditions:
Charcot-Marie-Tooth disease type 2. Also called: Charcot-Marie-Tooth type 2. Identifiers: Orphanet 64746, MedGen C0270914, MONDO:0018993.
Charcot-Marie-Tooth disease type 2D (CMT2D). Also called: Charcot-Marie-Tooth Neuropathy Type 2D; CHARCOT-MARIE-TOOTH DISEASE, AXONAL, TYPE 2D; CHARCOT-MARIE-TOOTH DISEASE, NEURONAL, TYPE 2D; GARS1 Adolescent- or Early Adult-Onset Hereditary Motor/Sensory Neuropathy (GARS1-HMSN). Identifiers: Orphanet 99938, MedGen C1832274, MONDO:0011091, OMIM 601472.

Submissions (2):

Labcorp Genetics (formerly Invitae), Labcorp
Classification: Uncertain significance for Charcot-Marie-Tooth disease type 2. Last evaluated: 2024-06-05. Review status: criteria provided, single submitter. Criteria: Invitae Variant Classification Sherloc (09022015). Collection method: clinical testing. Allele origin: germline.
Comment: This sequence change replaces alanine, which is neutral and non-polar, with threonine, which is neutral and polar, at codon 12 of the GARS protein (p.Ala12Thr). This variant is not present in population databases (gnomAD no frequency). This variant has not been reported in the literature in individuals affected with GARS-related conditions. ClinVar contains an entry for this variant (Variation ID: 812167). Advanced modeling of protein sequence and biophysical properties (such as structural, functional, and spatial information, amino acid conservation, physicochemical variation, residue mobility, and thermodynamic stability) performed at Invitae indicates that this missense variant is not expected to disrupt GARS protein function with a negative predictive value of 95%. In summary, the available evidence is currently insufficient to determine the role of this variant in disease. Therefore, it has been classified as a Variant of Uncertain Significance.

MVZ Martinsried, Medicover Genetics
Classification: Uncertain significance for Charcot-Marie-Tooth disease type 2D. Last evaluated: 2019-09-12. Review status: criteria provided, single submitter. Criteria: ACMG Guidelines, 2015. Collection method: clinical testing. Allele origin: unknown. Affected: yes.

NM_002047.4(GARS1):c.34G>A (p.Ala12Thr)

Gene: GARS1 (glycyl-tRNA synthetase 1; plus strand). Cytogenetic location: 7p14.3.
Variant type: single nucleotide variant.
Coding change: c.34G>A on transcript NM_002047.4 (MANE Select); coding-DNA position 34, G replaced by A.
Protein change: p.Ala12Thr; replaces alanine 12 with threonine.
Molecular consequence: missense variant. On other transcripts: 5 prime UTR variant (1).
Genome position (GRCh38, 1-based): chr7:30,594,955, G>A. VCF-style: chr7-30594955-G-A. GRCh37 (hg19) VCF-style: chr7-30634571-G-A.
Other names: c.-129G>A (NM_001316772.1); short protein forms A12T.
Identifiers: ClinVar variation 812167 (VCV000812167.3), dbSNP rs1584017035, ClinGen allele CA367138425.
Genomic context (GRCh38, chr7:30,594,955, plus strand): 5'-CTCTGGACAGCCCAGGGCCGCAGGCTCATGCCCTCTCCGCGTCCAGTGCTGCTTAGAGGT[G>A]CTCGCGCCGCTCTGCTGCTGCTGCTGCCGCCCCGGCTCTTAGCCCGACCCTCGCTCCTGC-3'
Protein context (NP_002038.2, residues 2-22): PSPRPVLLRG[Ala12Thr]RAALLLLLPP